The following is an entry in ClinVar:

NM_004100.5(EYA4):c.271G>T (p.Ala91Ser)

Gene: EYA4 (EYA transcriptional coactivator and phosphatase 4; plus strand). Cytogenetic location: 6q23.2.
Variant type: single nucleotide variant.
Coding change: c.271G>T on transcript NM_004100.5 (MANE Select); coding-DNA position 271, G replaced by T.
Protein change: p.Ala91Ser; replaces alanine 91 with serine.
Molecular consequence: missense variant. On other transcripts: intron variant (4).
Genome position (GRCh38, 1-based): chr6:133,448,173, G>T. VCF-style: chr6-133448173-G-T. GRCh37 (hg19) VCF-style: chr6-133769311-G-T.
Other names: c.271G>T, p.Ala91Ser (NM_001301013.2, NM_172105.4); c.208+1419G>T (NM_001370458.1, NM_172103.4, NM_001370459.1 and 1 more transcripts); short protein forms A91S.
Identifiers: ClinVar variation 518579 (VCV000518579.8), dbSNP rs1356492542, ClinGen allele CA365838313.

ClinVar aggregate classification (germline): Uncertain significance. Review status: criteria provided, multiple submitters, no conflicts (2 of 4 stars). 2 submissions from 2 submitters: Uncertain significance (2). Last evaluated 2025-11-07.

Conditions:
Cardiovascular phenotype. Identifiers: MedGen CN230736.
Dilated cardiomyopathy 1J (CMD1J). Also called: CARDIOMYOPATHY, DILATED, WITH SENSORINEURAL HEARING LOSS, AUTOSOMAL DOMINANT. Identifiers: Orphanet 217622, MedGen C1854368, MONDO:0011541, OMIM 605362.

Allele frequency attached by ClinVar (database versions not stated): gnomAD exomes below 0.00001; TOPMed below 0.00001; gnomAD 0.00001.
gnomAD v4.1: 4 of 1,612,044 alleles (0.00025%); highest among the groups gnomAD compares: Non-Finnish European, 0.00034%; no homozygotes.

Submissions (2):

Ambry Genetics
Classification: Uncertain significance for Cardiovascular phenotype. Last evaluated: 2025-11-07. Review status: criteria provided, single submitter. Criteria: Ambry Variant Classification Scheme 2023. Collection method: clinical testing. Allele origin: germline.
Comment: The p.A91S variant (also known as c.271G>T), located in coding exon 4 of the EYA4 gene, results from a G to T substitution at nucleotide position 271. The alanine at codon 91 is replaced by serine, an amino acid with similar properties. This variant was not reported in population based cohorts in the following databases: Database of Single Nucleotide Polymorphisms (dbSNP), NHLBI Exome Sequencing Project (ESP), and 1000 Genomes Project. In the ESP, this variant was not observed in 6503 samples (13006 alleles) with coverage at this position. This amino acid position is highly conserved in available vertebrate species. In addition, the in silico prediction for this alteration is inconclusive. Since supporting evidence is limited at this time, the clinical significance of this alteration remains unclear.

Labcorp Genetics (formerly Invitae), Labcorp
Classification: Uncertain significance for Dilated cardiomyopathy 1J. Last evaluated: 2024-06-01. Review status: criteria provided, single submitter. Criteria: Invitae Variant Classification Sherloc (09022015). Collection method: clinical testing. Allele origin: germline.
Comment: This sequence change replaces alanine, which is neutral and non-polar, with serine, which is neutral and polar, at codon 91 of the EYA4 protein (p.Ala91Ser). The frequency data for this variant in the population databases is considered unreliable, as metrics indicate poor data quality at this position in the gnomAD database. This variant has not been reported in the literature in individuals affected with EYA4-related conditions. ClinVar contains an entry for this variant (Variation ID: 518579). An algorithm developed to predict the effect of missense changes on protein structure and function (PolyPhen-2) suggests that this variant is likely to be disruptive. In summary, the available evidence is currently insufficient to determine the role of this variant in disease. Therefore, it has been classified as a Variant of Uncertain Significance.